The following is an entry in ClinVar:

NM_000256.3(MYBPC3):c.1043T>C (p.Met348Thr)

Gene: MYBPC3 (myosin binding protein C3; minus strand). Cytogenetic location: 11p11.2.
Variant type: single nucleotide variant.
Coding change: c.1043T>C on transcript NM_000256.3 (MANE Select); coding-DNA position 1043, T replaced by C.
Protein change: p.Met348Thr; replaces methionine 348 with threonine.
Molecular consequence: missense variant.
Genome position (GRCh38, 1-based): chr11:47,346,254, A>G on the plus strand (T>C on the coding strand, the complement: MYBPC3 is on the minus strand). VCF-style: chr11-47346254-A-G. GRCh37 (hg19) VCF-style: chr11-47367805-A-G.
Other names: short protein forms M348T.
Identifiers: ClinVar variation 1307939 (VCV001307939.5), dbSNP rs2142864171, ClinGen allele CA380331208.

ClinVar aggregate classification (germline): Uncertain significance. Review status: criteria provided, multiple submitters, no conflicts (2 of 4 stars). 3 submissions from 3 submitters: Uncertain significance (3). Last evaluated 2026-01-02.

Conditions:
Hypertrophic cardiomyopathy. Also called: HYPERTROPHIC MYOCARDIOPATHY. Identifiers: Orphanet 217569, MedGen C0007194, MeSH D002312, MONDO:0005045, HP:0001639.

Allele frequency attached by ClinVar (database versions not stated): gnomAD exomes 0.00001.
gnomAD v4.1: 8 of 1,613,874 alleles (0.0005%); highest among the groups gnomAD compares: Non-Finnish European, 0.00068%; no homozygotes.

Submissions (3):

Women's Health and Genetics/Laboratory Corporation of America, LabCorp
Classification: Uncertain significance. Last evaluated: 2026-01-02. Review status: criteria provided, single submitter. Criteria: LabCorp Variant Classification Summary - May 2015. Collection method: clinical testing. Allele origin: germline.

Labcorp Genetics (formerly Invitae), Labcorp
Classification: Uncertain significance for Hypertrophic cardiomyopathy. Last evaluated: 2024-12-15. Review status: criteria provided, single submitter. Criteria: Invitae Variant Classification Sherloc (09022015). Collection method: clinical testing. Allele origin: germline.
Comment: This sequence change replaces methionine, which is neutral and non-polar, with threonine, which is neutral and polar, at codon 348 of the MYBPC3 protein (p.Met348Thr). This variant is not present in population databases (gnomAD no frequency). This variant has not been reported in the literature in individuals affected with MYBPC3-related conditions. ClinVar contains an entry for this variant (Variation ID: 1307939). An algorithm developed to predict the effect of missense changes on protein structure and function (PolyPhen-2) suggests that this variant is likely to be tolerated. In summary, the available evidence is currently insufficient to determine the role of this variant in disease. Therefore, it has been classified as a Variant of Uncertain Significance.

GeneDx
Classification: Uncertain significance. Last evaluated: 2019-08-13. Review status: criteria provided, single submitter. Criteria: GeneDx Variant Classification Process June 2021. Collection method: clinical testing. Allele origin: germline. Affected: yes.
Comment: Not observed in large population cohorts (Lek et al., 2016); In silico analysis, which includes protein predictors and evolutionary conservation, supports a deleterious effect; Has not been previously published as pathogenic or benign to our knowledge